The following is an entry in ClinVar:

NM_000059.4(BRCA2):c.9299T>C (p.Leu3100Ser)

Gene: BRCA2 (BRCA2 DNA repair associated; plus strand). Cytogenetic location: 13q13.1.
Variant type: single nucleotide variant.
Coding change: c.9299T>C on transcript NM_000059.4 (MANE Select); coding-DNA position 9299, T replaced by C.
Protein change: p.Leu3100Ser; replaces leucine 3100 with serine.
Molecular consequence: missense variant.
Genome position (GRCh38, 1-based): chr13:32,394,731, T>C. VCF-style: chr13-32394731-T-C. GRCh37 (hg19) VCF-style: chr13-32968868-T-C.
Other names: short protein forms L3100S.
Identifiers: ClinVar variation 926843 (VCV000926843.13), dbSNP rs777943992, ClinGen allele CA6941374.

ClinVar aggregate classification (germline): Uncertain significance. Review status: criteria provided, multiple submitters, no conflicts (2 of 4 stars). 2 submissions from 2 submitters: Uncertain significance (2). Last evaluated 2025-05-30.

Conditions:
Hereditary cancer-predisposing syndrome. Also called: Neoplastic Syndromes, Hereditary; Tumor predisposition; Hereditary Cancer Syndrome; Hereditary neoplastic syndrome. Identifiers: Orphanet 140162, MedGen C0027672, MeSH D009386, MONDO:0015356.
Hereditary breast ovarian cancer syndrome. Also called: Hereditary breast and ovarian cancer syndrome; BRCA1- and BRCA2-Associated Hereditary Breast and Ovarian Cancer; Hereditary breast and ovarian cancer; Hereditary breast and ovarian cancer syndrome (HBOC); Breast and ovarian cancer; Hereditary breast and/or ovarian cancer syndrome. Identifiers: Orphanet 145, MedGen C0677776, MeSH D061325, MONDO:0003582. Disease mechanism: loss of function.

Allele frequency attached by ClinVar (database versions not stated): gnomAD exomes below 0.00001; ExAC 0.00001.
gnomAD v4.1: 1 of 1,613,956 alleles (0.000062%); highest among the groups gnomAD compares: Non-Finnish European, 0.000085%; no homozygotes.

Submissions (2):

Labcorp Genetics (formerly Invitae), Labcorp
Classification: Uncertain significance for Hereditary breast ovarian cancer syndrome. Last evaluated: 2025-05-30. Review status: criteria provided, single submitter. Criteria: Invitae Variant Classification Sherloc (09022015). Collection method: clinical testing. Allele origin: germline.
Comment: This sequence change replaces leucine, which is neutral and non-polar, with serine, which is neutral and polar, at codon 3100 of the BRCA2 protein (p.Leu3100Ser). This variant is present in population databases (rs777943992, gnomAD 0.0009%). This variant has not been reported in the literature in individuals affected with BRCA2-related conditions. ClinVar contains an entry for this variant (Variation ID: 926843). Invitae Evidence Modeling of protein sequence and biophysical properties (such as structural, functional, and spatial information, amino acid conservation, physicochemical variation, residue mobility, and thermodynamic stability) indicates that this missense variant is not expected to disrupt BRCA2 protein function with a negative predictive value of 95%. In summary, the available evidence is currently insufficient to determine the role of this variant in disease. Therefore, it has been classified as a Variant of Uncertain Significance.

Color Diagnostics, LLC DBA Color Health
Classification: Uncertain significance for Hereditary cancer-predisposing syndrome. Last evaluated: 2024-03-06. Review status: criteria provided, single submitter. Criteria: ACMG Guidelines, 2015. Collection method: clinical testing. Allele origin: germline.
Comment: This missense variant replaces leucine with serine at codon 3100 of the BRCA2 protein. Computational prediction is inconclusive regarding the impact of this variant on protein structure and function (internally defined REVEL score threshold 0.5 < inconclusive < 0.7, PMID: 27666373). Splice site prediction tools suggest that this variant may not impact RNA splicing. To our knowledge, functional studies have not been performed for this variant. This variant has not been reported in individuals affected with hereditary cancer in the literature. This variant has been identified in 1/251000 chromosomes in the general population by the Genome Aggregation Database (gnomAD). The available evidence is insufficient to determine the role of this variant in disease conclusively. Therefore, this variant is classified as a Variant of Uncertain Significance.